The following is an entry in ClinVar:

NM_001171.6(ABCC6):c.4242dup (p.Ala1415fs)

Gene: ABCC6 (ATP binding cassette subfamily C member 6; minus strand). Cytogenetic location: 16p13.11.
Variant type: Duplication.
Coding change: c.4242dup on transcript NM_001171.6 (MANE Select); coding-DNA position 4242, one base duplicated (T; older notation c.4242dupT).
Protein change: p.Ala1415fs; shifts the reading frame from alanine 1415.
Molecular consequence: frameshift variant. On other transcripts: non-coding transcript variant (1).
Genome position (GRCh38, 1-based): chr16:16,150,739, A duplicated on the plus strand (T on the coding strand, the reverse complement: ABCC6 is on the minus strand). VCF-style (leftmost placement, unchanged base first): chr16-16150738-C-CA. GRCh37 (hg19) VCF-style: chr16-16244595-C-CA.
Other names: c.4242dupT (NM_001171.5, NM_001171.6); c.3900dup, p.Ala1301fs (NM_001351800.1); short protein forms A1301fs, A1415fs.
Identifiers: ClinVar variation 2632391 (VCV002632391.6), dbSNP rs2046363256, ClinGen allele CA2210135263.

ClinVar aggregate classification (germline): Conflicting classifications of pathogenicity. Review status: criteria provided, conflicting classifications (1 of 4 stars). 5 submissions from 5 submitters: Pathogenic (2); Likely pathogenic (2); Uncertain significance (1). Last evaluated 2026-06-23.

Conditions:
Pseudoxanthoma elasticum. Also called: Pseudoxanthoma elasticum (inherited or acquired). Identifiers: MedGen C0033847, MONDO:0024308.
ABCC6-related disorder. Also called: ABCC6-related condition.

Allele frequency attached by ClinVar (database versions not stated): gnomAD exomes below 0.00001; TOPMed below 0.00001.

Submissions (5):

Women's Health and Genetics/Laboratory Corporation of America, LabCorp
Classification: Pathogenic for Pseudoxanthoma elasticum. Last evaluated: 2026-06-23. Review status: criteria provided, single submitter. Criteria: LabCorp Variant Classification Summary - May 2015. Collection method: clinical testing. Allele origin: germline.
Comment: Variant summary: ABCC6 c.4242dupT (p.Ala1415CysfsX113) causes a frameshift which results in deletion of the C-terminal 89 amino acids and an extension of the protein by 23 additional alien amino acid residues. This is not anticipated to result in nonsense mediated decay. The variant was absent in 250096 control chromosomes. To our knowledge, no occurrence of c.4242dupT in individuals affected with ABCC6-related conditions and no experimental evidence demonstrating its impact on protein function have been reported. However, two downstream missense variants, c.4274T>C, p.Leu1425Pro and c.4279G>A, p.Glu1427Lys, have been classified as likely pathogenic by our lab. ClinVar contains an entry for this variant (Variation ID: 2632391). Based on the evidence outlined above, the variant was classified as pathogenic.

Labcorp Genetics (formerly Invitae), Labcorp
Classification: Pathogenic. Last evaluated: 2026-01-04. Review status: criteria provided, single submitter. Criteria: Invitae Variant Classification Sherloc (09022015). Collection method: clinical testing. Allele origin: germline.
Comment: This sequence change is expected to alter the c-terminus of the ABCC6 protein (p.Ala1415Cysfs*113). While this is not anticipated to result in nonsense mediated decay, it is expected to disrupt the last 89 amino acid(s) of the ABCC6 protein and extend the protein by 23 additional amino acid residues. This variant is not present in population databases (gnomAD no frequency). This variant has not been reported in the literature in individuals affected with ABCC6-related conditions. ClinVar contains an entry for this variant (Variation ID: 2632391). Experimental studies and prediction algorithms are not available or were not evaluated, and the functional significance of this variant is currently unknown. This variant disrupts a region of the ABCC6 protein in which other variant(s) (p.Glu1427Lys) have been determined to be pathogenic (PMID: 28186352, 34906475; internal data). This suggests that this is a clinically significant region of the protein, and that variants that disrupt it are likely to be disease-causing. For these reasons, this variant has been classified as Pathogenic.

GeneDx
Classification: Likely pathogenic. Last evaluated: 2025-02-25. Review status: criteria provided, single submitter. Criteria: GeneDx Variant Classification Process June 2021. Collection method: clinical testing. Allele origin: germline. Affected: yes.
Comment: Frameshift variant predicted to result in abnormal protein length as the last 89 amino acids are replaced with 112 different amino acid, and other similar variants have been reported in HGMD; Not observed at significant frequency in large population cohorts (gnomAD); Has not been previously published as pathogenic or benign to our knowledge

PreventionGenetics, part of Exact Sciences
Classification: Uncertain significance for ABCC6-related condition. Last evaluated: 2023-06-29. Review status: criteria provided, single submitter. Criteria: ACMG Guidelines, 2015. Collection method: clinical testing. Allele origin: germline.
Comment: The ABCC6 c.4242dupT variant is predicted to result in a frameshift and premature protein termination (p.Ala1415Cysfs*113). XXXXX, which is predicted to result in a stop loss and a C-terminal extension (p.Ala1415Cysfs*113). Of note, the canonical stop codon is located at p.1504. To our knowledge, this variant has not been reported in the literature or in a large population database, indicating this variant is rare. Although we suspect that this variant may be pathogenic, at this time, the clinical significance of this variant is uncertain due to the absence of conclusive functional and genetic evidence.

Blueprint Genetics
Classification: Likely pathogenic for ABCC6-related disorders. Last evaluated: 2022-07-05. Review status: criteria provided, single submitter. Criteria: ACMG Guidelines, 2015. Collection method: clinical testing. Allele origin: germline. Affected: yes. Observed: 1 variant allele.

Literature cited by the submitters: PubMed 28186352 (cited by Labcorp Genetics (formerly Invitae), Labcorp); PubMed 34906475 (cited by Labcorp Genetics (formerly Invitae), Labcorp).